The following is an entry in ClinVar:

NM_147127.5(EVC2):c.221G>A (p.Ser74Asn)

Gene: EVC2 (EvC ciliary complex subunit 2; minus strand). Cytogenetic location: 4p16.2.
Variant type: single nucleotide variant.
Coding change: c.221G>A on transcript NM_147127.5 (MANE Select); coding-DNA position 221, G replaced by A.
Protein change: p.Ser74Asn; replaces serine 74 with asparagine.
Molecular consequence: missense variant. On other transcripts: intron variant (1).
Genome position (GRCh38, 1-based): chr4:5,708,293, C>T on the plus strand (G>A on the coding strand, the complement: EVC2 is on the minus strand). VCF-style: chr4-5708293-C-T. GRCh37 (hg19) VCF-style: chr4-5710020-C-T.
Other names: c.-13+536G>A (NM_001166136.2); short protein forms S74N.
Identifiers: ClinVar variation 546204 (VCV000546204.9), dbSNP rs1191013607, ClinGen allele CA356153983.

ClinVar aggregate classification (germline): Uncertain significance. Review status: criteria provided, multiple submitters, no conflicts (2 of 4 stars). 4 submissions from 4 submitters: Uncertain significance (4). Last evaluated 2025-09-15.

Conditions:
Ellis-van Creveld syndrome (EVC). Also called: MESOECTODERMAL DYSPLASIA; EVC-Related Ellis-van Creveld Syndrome; EVC2-Related Ellis-van Creveld Syndrome; Chondroectodermal dysplasia. Identifiers: Orphanet 289, MedGen C0013903, MONDO:0009162, OMIM 225500.
Inborn genetic diseases. Identifiers: MedGen C0950123, MeSH D030342.
Curry-Hall syndrome (WAD). Also called: WEYERS ACRODENTAL DYSOSTOSIS. Identifiers: Orphanet 952, MedGen C0457013, MONDO:0008673, OMIM 193530.

Allele frequency attached by ClinVar (database versions not stated): gnomAD 0.00003; TOPMed 0.00003; gnomAD exomes 0.00004.
gnomAD v4.1: 77 of 1,476,196 alleles (0.0052%); highest among the groups gnomAD compares: Non-Finnish European, 0.006%; no homozygotes.

Submissions (4):

Labcorp Genetics (formerly Invitae), Labcorp
Classification: Uncertain significance for Curry-Hall syndrome; Ellis-van Creveld syndrome. Last evaluated: 2025-09-15. Review status: criteria provided, single submitter. Criteria: Invitae Variant Classification Sherloc (09022015). Collection method: clinical testing. Allele origin: germline.
Comment: This sequence change replaces serine, which is neutral and polar, with asparagine, which is neutral and polar, at codon 74 of the EVC2 protein (p.Ser74Asn). The frequency data for this variant in the population databases is considered unreliable, as metrics indicate poor data quality at this position in the gnomAD database. This variant has not been reported in the literature in individuals affected with EVC2-related conditions. ClinVar contains an entry for this variant (Variation ID: 546204). An algorithm developed to predict the effect of missense changes on protein structure and function (PolyPhen-2) suggests that this variant is likely to be tolerated. In summary, the available evidence is currently insufficient to determine the role of this variant in disease. Therefore, it has been classified as a Variant of Uncertain Significance.

Ambry Genetics
Classification: Uncertain significance for Inborn genetic diseases. Last evaluated: 2024-10-08. Review status: criteria provided, single submitter. Criteria: Ambry Variant Classification Scheme 2023. Collection method: clinical testing. Allele origin: germline.

GeneDx
Classification: Uncertain significance. Last evaluated: 2018-05-15. Review status: criteria provided, single submitter. Criteria: GeneDx Variant Classification (06012015). Collection method: clinical testing. Allele origin: germline. Affected: yes.
Comment: The S74N variant in the EVC2 gene has not been reported previously as a pathogenic variant, nor as a benign variant, to our knowledge. The S74N variant is observed in 2/14,968 (0.013%) alleles from individuals of non-Finnish European background in large population cohorts (Lek et al., 2016). The S74N variant is a conservative amino acid substitution, which is not likely to impact secondary protein structure as these residues share similar properties. In-silico analyses, including protein predictors and evolutionary conservation, support that this variant does not alter protein structure/function. We interpret S74N as a variant of uncertain significance.

Illumina Laboratory Services, Illumina
Classification: Uncertain significance for Ellis-van Creveld syndrome. Last evaluated: 2018-01-13. Review status: criteria provided, single submitter. Criteria: ICSL Variant Classification Criteria 13 December 2019. Collection method: clinical testing. Allele origin: germline.